The following is an entry in ClinVar:

NM_006030.4(CACNA2D2):c.11C>T (p.Pro4Leu)

Gene: CACNA2D2 (calcium voltage-gated channel auxiliary subunit alpha2delta 2; minus strand). Cytogenetic location: 3p21.31.
Variant type: single nucleotide variant.
Coding change: c.11C>T on transcript NM_006030.4 (MANE Select); coding-DNA position 11, C replaced by T.
Protein change: p.Pro4Leu; replaces proline 4 with leucine.
Molecular consequence: missense variant. On other transcripts: intron variant (1).
Genome position (GRCh38, 1-based): chr3:50,503,413, G>A on the plus strand (C>T on the coding strand, the complement: CACNA2D2 is on the minus strand). VCF-style: chr3-50503413-G-A. GRCh37 (hg19) VCF-style: chr3-50540844-G-A.
Other names: c.11C>T, p.Pro4Leu (NM_001005505.3, NM_001174051.3, NM_001410768.1); c.-2+656C>T (NM_001291101.1); short protein forms P4L.
Identifiers: ClinVar variation 1715908 (VCV001715908.3), dbSNP rs2471324323, ClinGen allele CA353000555.

ClinVar aggregate classification (germline): Uncertain significance (1 of 4 stars; one submission).

Conditions:
Developmental and epileptic encephalopathy. Identifiers: MedGen C5779964, MONDO:0100620.

Submission:

Labcorp Genetics (formerly Invitae), Labcorp
Classification: Uncertain significance for Early-infantile DEE. Last evaluated: 2022-08-09. Review status: criteria provided, single submitter. Criteria: Invitae Variant Classification Sherloc (09022015). Collection method: clinical testing. Allele origin: germline.
Comment: This sequence change replaces proline, which is neutral and non-polar, with leucine, which is neutral and non-polar, at codon 4 of the CACNA2D2 protein (p.Pro4Leu). The frequency data for this variant in the population databases is considered unreliable, as metrics indicate insufficient coverage at this position in the gnomAD database. This variant has not been reported in the literature in individuals affected with CACNA2D2-related conditions. Algorithms developed to predict the effect of missense changes on protein structure and function are either unavailable or do not agree on the potential impact of this missense change (SIFT: "Deleterious"; PolyPhen-2: "Not Available"; Align-GVGD: "Class C0"). In summary, the available evidence is currently insufficient to determine the role of this variant in disease. Therefore, it has been classified as a Variant of Uncertain Significance.